The following is an entry in ClinVar:

ClinVar aggregate classification (germline): Uncertain significance. Review status: criteria provided, multiple submitters, no conflicts (2 of 4 stars). 4 submissions from 4 submitters: Uncertain significance (4). Last evaluated 2024-03-08.

Conditions:
Inborn genetic diseases. Identifiers: MedGen C0950123, MeSH D030342.
Wilson disease (WND). Also called: Wilson's disease. Identifiers: Orphanet 905, MedGen C0019202, MONDO:0010200, OMIM 277900. Disease mechanism: loss of function.

Submissions (4):

Ambry Genetics
Classification: Uncertain significance for Inborn genetic diseases. Last evaluated: 2024-03-08. Review status: criteria provided, single submitter. Criteria: Ambry Variant Classification Scheme 2023. Collection method: clinical testing. Allele origin: germline.
Comment: The p.L655Q variant (also known as c.1964T>A), located in coding exon 7 of the ATP7B gene, results from a T to A substitution at nucleotide position 1964. The leucine at codon 655 is replaced by glutamine, an amino acid with dissimilar properties. This amino acid position is conserved. In addition, this alteration is predicted to be deleterious by in silico analysis. Based on the available evidence, the clinical significance of this alteration remains unclear.

All of Us Research Program, National Institutes of Health
Classification: Uncertain significance for Wilson disease. Last evaluated: 2023-12-13. Review status: criteria provided, single submitter. Criteria: ACMG Guidelines, 2015. Collection method: clinical testing. Allele origin: germline. Inheritance: Autosomal recessive inheritance. Observed: 1 variant allele, 1 heterozygote.
Comment: This missense variant replaces leucine with glutamine at codon 655 of the ATP7B protein. Computational prediction suggests that this variant may have deleterious impact on protein structure and function (internally defined REVEL score threshold >= 0.7, PMID: 27666373). To our knowledge, functional studies have not been reported for this variant. This variant has not been reported in individuals affected with ATP7B-related disorders in the literature. This variant has not been identified in the general population by the Genome Aggregation Database (gnomAD). The available evidence is insufficient to determine the role of this variant in disease conclusively. Therefore, this variant is classified as a Variant of Uncertain Significance.

This study involves interpretation of variants in research participants for the purpose of population health screening. Participant phenotype was not available at the time of variant classification. Additional details can be found in publication PMID: 35346344, PMCID: PMC8962531

Fulgent Genetics
Classification: Uncertain significance for Wilson disease. Last evaluated: 2022-05-04. Review status: criteria provided, single submitter. Criteria: ACMG Guidelines, 2015. Collection method: clinical testing. Allele origin: unknown.

Labcorp Genetics (formerly Invitae), Labcorp
Classification: Uncertain significance for Wilson disease. Last evaluated: 2021-10-17. Review status: criteria provided, single submitter. Criteria: Invitae Variant Classification Sherloc (09022015). Collection method: clinical testing. Allele origin: germline.
Comment: This sequence change replaces leucine with glutamine at codon 655 of the ATP7B protein (p.Leu655Gln). The leucine residue is highly conserved and there is a moderate physicochemical difference between leucine and glutamine. This variant is not present in population databases (ExAC no frequency). This variant has not been reported in the literature in individuals affected with ATP7B-related conditions. Advanced modeling of protein sequence and biophysical properties (such as structural, functional, and spatial information, amino acid conservation, physicochemical variation, residue mobility, and thermodynamic stability) performed at Invitae indicates that this missense variant is expected to disrupt ATP7B protein function. In summary, the available evidence is currently insufficient to determine the role of this variant in disease. Therefore, it has been classified as a Variant of Uncertain Significance.

NM_000053.4(ATP7B):c.1964T>A (p.Leu655Gln)

Gene: ATP7B (ATPase copper transporting beta; minus strand). Cytogenetic location: 13q14.3.
Variant type: single nucleotide variant.
Coding change: c.1964T>A on transcript NM_000053.4 (MANE Select); coding-DNA position 1964, T replaced by A.
Protein change: p.Leu655Gln; replaces leucine 655 with glutamine.
Molecular consequence: missense variant. On other transcripts: intron variant (2).
Genome position (GRCh38, 1-based): chr13:51,960,305, A>T on the plus strand (T>A on the coding strand, the complement: ATP7B is on the minus strand). VCF-style: chr13-51960305-A-T. GRCh37 (hg19) VCF-style: chr13-52534441-A-T.
Other names: c.1631T>A, p.Leu544Gln (NM_001243182.2); c.1964T>A, p.Leu655Gln (NM_001330578.2); c.1870-2698T>A (NM_001005918.3); c.1870-1761T>A (NM_001330579.2); c.1964T>A (NM_000053.3); short protein forms L544Q, L655Q.
Identifiers: ClinVar variation 1427896 (VCV001427896.6), dbSNP rs2139612314, ClinGen allele CA388026035.